The following is an entry in ClinVar:

ClinVar aggregate classification (germline): Uncertain significance. Review status: criteria provided, multiple submitters, no conflicts (2 of 4 stars). 2 submissions from 2 submitters: Uncertain significance (2). Last evaluated 2021-10-01.

Conditions:
Hereditary cancer-predisposing syndrome. Also called: Neoplastic Syndromes, Hereditary; Hereditary Cancer Syndrome; Tumor predisposition; Hereditary neoplastic syndrome. Identifiers: Orphanet 140162, MedGen C0027672, MeSH D009386, MONDO:0015356.
Familial cancer of breast. Also called: Hereditary breast cancer; BREAST CANCER, FAMILIAL; hereditary breast carcinoma. Identifiers: Orphanet 227535, MedGen C0346153, MONDO:0016419, OMIM 114480. Disease mechanism: loss of function.

Allele frequency attached by ClinVar (database versions not stated): TOPMed 0.00001.

Submissions (2):

Labcorp Genetics (formerly Invitae), Labcorp
Classification: Uncertain significance for Familial cancer of breast. Last evaluated: 2021-10-01. Review status: criteria provided, single submitter. Criteria: Invitae Variant Classification Sherloc (09022015). Collection method: clinical testing. Allele origin: germline.
Comment: This sequence change replaces lysine with glutamic acid at codon 50 of the PALB2 protein (p.Lys50Glu). The lysine residue is moderately conserved and there is a small physicochemical difference between lysine and glutamic acid. This variant is not present in population databases (ExAC no frequency). This variant has not been reported in the literature in individuals affected with PALB2-related conditions. ClinVar contains an entry for this variant (Variation ID: 928094). Algorithms developed to predict the effect of missense changes on protein structure and function are either unavailable or do not agree on the potential impact of this missense change (SIFT: "Deleterious"; PolyPhen-2: "Possibly Damaging"; Align-GVGD: "Class C0"). In summary, the available evidence is currently insufficient to determine the role of this variant in disease. Therefore, it has been classified as a Variant of Uncertain Significance.

Color Diagnostics, LLC DBA Color Health
Classification: Uncertain significance for Hereditary cancer-predisposing syndrome. Last evaluated: 2021-07-07. Review status: criteria provided, single submitter. Criteria: ACMG Guidelines, 2015. Collection method: clinical testing. Allele origin: germline.
Comment: This missense variant replaces lysine with glutamic acid at codon 50 of the PALB2 protein. Computational prediction suggests that this variant may not impact protein structure and function (internally defined REVEL score threshold <= 0.5, PMID: 27666373). To our knowledge, functional studies have not been reported for this variant. This variant has not been reported in individuals affected with hereditary cancer in the literature. This variant has not been identified in the general population by the Genome Aggregation Database (gnomAD). The available evidence is insufficient to determine the role of this variant in disease conclusively. Therefore, this variant is classified as a Variant of Uncertain Significance.

NM_024675.4(PALB2):c.148A>G (p.Lys50Glu)

Gene: PALB2 (partner and localizer of BRCA2; minus strand). Cytogenetic location: 16p12.2.
Variant type: single nucleotide variant.
Coding change: c.148A>G on transcript NM_024675.4 (MANE Select); coding-DNA position 148, A replaced by G.
Protein change: p.Lys50Glu; replaces lysine 50 with glutamic acid.
Molecular consequence: missense variant.
Genome position (GRCh38, 1-based): chr16:23,637,913, T>C on the plus strand (A>G on the coding strand, the complement: PALB2 is on the minus strand). VCF-style: chr16-23637913-T-C. GRCh37 (hg19) VCF-style: chr16-23649234-T-C.
Other names: short protein forms K50E.
Identifiers: ClinVar variation 928094 (VCV000928094.10), dbSNP rs1967103124, ClinGen allele CA395139254.
Genomic context (GRCh38, chr16:23,637,913, plus strand): 5'-AGTGTTTTAGCTGCGGTGAGAGATCCTGCTGAGACAAACAATCTTGTTCTTCTACTGTTT[T>C]CTTAATAGAATGCTTAATCTTTTCAGCTCTTTGGGCACGCTAGAGGAGACAAAAACAGCC-3'
Protein context (NP_078951.2, residues 40-60): RAEKIKHSIK[Lys50Glu]TVEEQDCLSQ